The following is an entry in ClinVar:

ClinVar aggregate classification (germline): Uncertain significance (1 of 4 stars; one submission).

Conditions:
Pitt-Hopkins-like syndrome 2 (PTHSL2). Identifiers: Orphanet 221150, Orphanet 600663, MedGen C3280479, MONDO:0013690, OMIM 614325.

Allele frequency attached by ClinVar (database versions not stated): gnomAD exomes below 0.00001; TOPMed below 0.00001.
gnomAD v4.1: 1 of 1,528,864 alleles (0.000065%); highest among the groups gnomAD compares: Admixed American, 0.002%; no homozygotes.

Submission:

Labcorp Genetics (formerly Invitae), Labcorp
Classification: Uncertain significance for Pitt-Hopkins-like syndrome 2. Last evaluated: 2021-03-03. Review status: criteria provided, single submitter. Criteria: Invitae Variant Classification Sherloc (09022015). Collection method: clinical testing. Allele origin: germline.
Comment: In summary, the available evidence is currently insufficient to determine the role of this variant in disease. Therefore, it has been classified as a Variant of Uncertain Significance. Algorithms developed to predict the effect of missense changes on protein structure and function are either unavailable or do not agree on the potential impact of this missense change (SIFT: "Deleterious"; PolyPhen-2: "Possibly Damaging"; Align-GVGD: "Class C0"). This variant has not been reported in the literature in individuals with NRXN1-related conditions. This variant is not present in population databases (ExAC no frequency). This sequence change replaces serine with arginine at codon 256 of the NRXN1 protein (p.Ser256Arg). The serine residue is highly conserved and there is a moderate physicochemical difference between serine and arginine.

NM_001330078.2(NRXN1):c.768C>G (p.Ser256Arg)

Gene: NRXN1 (neurexin 1; minus strand). Cytogenetic location: 2p16.3.
Variant type: single nucleotide variant.
Coding change: c.768C>G on transcript NM_001330078.2 (MANE Select); coding-DNA position 768, C replaced by G.
Protein change: p.Ser256Arg; replaces serine 256 with arginine.
Molecular consequence: missense variant.
Genome position (GRCh38, 1-based): chr2:51,027,506, G>C on the plus strand (C>G on the coding strand, the complement: NRXN1 is on the minus strand). VCF-style: chr2-51027506-G-C. GRCh37 (hg19) VCF-style: chr2-51254644-G-C.
Other names: c.768C>G, p.Ser256Arg (NM_001135659.3, NM_001330077.2, NM_001330079.2 and 15 more transcripts); short protein forms S256R.
Identifiers: ClinVar variation 1426604 (VCV001426604.8), dbSNP rs1670709309, ClinGen allele CA346823318.